The following is an entry in ClinVar:

ClinVar aggregate classification (germline): Pathogenic (1 of 4 stars; one submission).

Conditions:
Zellweger spectrum disorders (ZS). Also called: Zellweger Spectrum Disorder; Zellweger Spectrum; Zellweger Spectrum Disorder (ZSD); Zellweger syndrome. Identifiers: Orphanet 912, MedGen C0043459, MONDO:0019609.

Submission:

Labcorp Genetics (formerly Invitae), Labcorp
Classification: Pathogenic for Zellweger spectrum disorders. Last evaluated: 2023-03-08. Review status: criteria provided, single submitter. Criteria: Invitae Variant Classification Sherloc (09022015). Collection method: clinical testing. Allele origin: germline.
Comment: This sequence change creates a premature translational stop signal (p.Trp839*) in the PEX1 gene. It is expected to result in an absent or disrupted protein product. Loss-of-function variants in PEX1 are known to be pathogenic (PMID: 9398847, 16086329, 16141001, 21031596, 26387595, 31831025). For these reasons, this variant has been classified as Pathogenic. ClinVar contains an entry for this variant (Variation ID: 1380467). This variant has not been reported in the literature in individuals affected with PEX1-related conditions. This variant is not present in population databases (gnomAD no frequency).

Literature cited by the submitters: PubMed 9398847; PubMed 16086329; PubMed 16141001; PubMed 21031596; PubMed 26387595; PubMed 31831025.

NM_000466.3(PEX1):c.2516G>A (p.Trp839Ter)

Gene: PEX1 (peroxisomal biogenesis factor 1; minus strand). Cytogenetic location: 7q21.2.
Variant type: single nucleotide variant.
Coding change: c.2516G>A on transcript NM_000466.3 (MANE Select); coding-DNA position 2516, G replaced by A.
Protein change: p.Trp839Ter; replaces tryptophan 839 with a stop codon.
Molecular consequence: nonsense.
Genome position (GRCh38, 1-based): chr7:92,501,574, C>T on the plus strand (G>A on the coding strand, the complement: PEX1 is on the minus strand). VCF-style: chr7-92501574-C-T. GRCh37 (hg19) VCF-style: chr7-92130888-C-T.
Other names: c.2345G>A, p.Trp782Ter (NM_001282677.2); c.1892G>A, p.Trp631Ter (NM_001282678.2); short protein forms W782*, W839*, W631*.
Identifiers: ClinVar variation 1380467 (VCV001380467.6), dbSNP rs2116145324, ClinGen allele CA368175468.